The following is an entry in ClinVar:

NM_000419.5(ITGA2B):c.189-18C>G

Gene: ITGA2B (integrin subunit alpha 2b; minus strand). Cytogenetic location: 17q21.31.
Variant type: single nucleotide variant.
Coding change: c.189-18C>G on transcript NM_000419.5 (MANE Select); 18 bases into the intron before coding-DNA position 189, C replaced by G.
Molecular consequence: intron variant.
Genome position (GRCh38, 1-based): chr17:44,386,149, G>C on the plus strand (C>G on the coding strand, the complement: ITGA2B is on the minus strand). VCF-style: chr17-44386149-G-C. GRCh37 (hg19) VCF-style: chr17-42463517-G-C.
Identifiers: ClinVar variation 3682929 (VCV003682929.2).

ClinVar aggregate classification (germline): Uncertain significance (1 of 4 stars; one submission).

Conditions:
Glanzmann thrombasthenia. Also called: BLEEDING DISORDER, PLATELET-TYPE, 2; THROMBASTHENIA OF GLANZMANN AND NAEGELI; PLATELET GLYCOPROTEIN IIb-IIIa DEFICIENCY; Thrombasthenia; Glanzmann's thrombasthenia. Identifiers: Orphanet 849, MedGen C0040015, MONDO:0100326.

gnomAD v4.1: 3 of 1,578,996 alleles (0.00019%); highest among the groups gnomAD compares: Admixed American, 0.0055%; no homozygotes.

Submission:

Labcorp Genetics (formerly Invitae), Labcorp
Classification: Uncertain significance for Glanzmann thrombasthenia. Last evaluated: 2024-05-17. Review status: criteria provided, single submitter. Criteria: Invitae Variant Classification Sherloc (09022015). Collection method: clinical testing. Allele origin: germline.
Comment: This sequence change falls in intron 1 of the ITGA2B gene. It does not directly change the encoded amino acid sequence of the ITGA2B protein. The frequency data for this variant in the population databases is considered unreliable, as metrics indicate poor data quality at this position in the gnomAD database. This variant has not been reported in the literature in individuals affected with ITGA2B-related conditions. Algorithms developed to predict the effect of sequence changes on RNA splicing suggest that this variant may disrupt the consensus splice site. In summary, the available evidence is currently insufficient to determine the role of this variant in disease. Therefore, it has been classified as a Variant of Uncertain Significance.